The following is an entry in ClinVar:

NM_153704.6(TMEM67):c.2952A>G (p.Ala984=)

Gene: TMEM67 (transmembrane protein 67; plus strand). Cytogenetic location: 8q22.1.
Variant type: single nucleotide variant.
Coding change: c.2952A>G on transcript NM_153704.6 (MANE Select); coding-DNA position 2952, A replaced by G.
Protein change: p.Ala984=; no amino-acid change (alanine 984 retained).
Molecular consequence: synonymous variant. On other transcripts: non-coding transcript variant (1).
Genome position (GRCh38, 1-based): chr8:93,816,416, A>G. VCF-style: chr8-93816416-A-G. GRCh37 (hg19) VCF-style: chr8-94828644-A-G.
Other names: p.Ala984=; c.2709A>G, p.Ala903= (NM_001142301.1).
Identifiers: ClinVar variation 262749 (VCV000262749.28), dbSNP rs115967793, ClinGen allele CA4808442.
Genomic context (GRCh38, chr8:93,816,416, plus strand): 5'-TGTTTTAATTTTCCAGATTTTTAGATATATCCGTAATACAGTAGGACAAAAGAATTTGGC[A>G]TCCAAAACATTGGTGGATCAAAGATTTTTGATTTAACTTCCTGAATAAATAACTTAAAGA-3'
Protein context (NP_714915.3, residues 974-994): IRNTVGQKNL[Ala984=]SKTLVDQRFL

ClinVar aggregate classification (germline): Conflicting classifications of pathogenicity. Review status: criteria provided, conflicting classifications (1 of 4 stars). 9 submissions from 7 submitters: Uncertain significance (1); Benign (4); Likely benign (4). Last evaluated 2026-08-01.

Conditions:
Meckel-Gruber syndrome. Also called: DYSENCEPHALIA SPLANCHNOCYSTICA; GRUBER SYNDROME; Dysencephalia splachnocystica. Identifiers: Orphanet 564, MedGen C0265215, MONDO:0018921.
Joubert syndrome. Also called: Familial aplasia of the vermis; JOUBERT-BOLTSHAUSER SYNDROME. Identifiers: Orphanet 475, MedGen C5979921, MONDO:0018772.
Joubert syndrome 6 (JBTS6). Identifiers: Orphanet 475, MedGen C1853153, MONDO:0012539, OMIM 610688.
Nephronophthisis 11 (NPHP11). Identifiers: Orphanet 84081, MedGen C3150796, MONDO:0013302, OMIM 613550.
Meckel syndrome, type 3 (MKS3). Also called: MECKEL-GRUBER SYNDROME, TYPE 3. Identifiers: Orphanet 564, MedGen C1846357, MONDO:0011821, OMIM 607361.

Allele frequency attached by ClinVar (database versions not stated): gnomAD exomes 0.00059 and 0.00124; ExAC 0.00144; gnomAD 0.00415 and 0.00439; TOPMed 0.00489; 1000 Genomes Project 0.00499; ESP Exome Variant Server 0.00533; 1000 Genomes Project 30x 0.00656.
gnomAD v4.1: 1,506 of 1,599,276 alleles (0.094%); highest among the groups gnomAD compares: African/African-American, 1.4%; 7 homozygotes.

Submissions (9):

CeGaT Center for Human Genetics Tuebingen
Classification: Likely benign. Last evaluated: 2026-08-01. Review status: criteria provided, single submitter. Criteria: CeGaT Center For Human Genetics Tuebingen Variant Classification Criteria Version 2. Collection method: clinical testing. Allele origin: germline. Affected: yes. Observed: 6 variant alleles.
Comment: TMEM67: BP4, BP7, BS1

Labcorp Genetics (formerly Invitae), Labcorp
Classification: Benign for Joubert syndrome; Meckel-Gruber syndrome. Last evaluated: 2026-01-31. Review status: criteria provided, single submitter. Criteria: Invitae Variant Classification Sherloc (09022015). Collection method: clinical testing. Allele origin: germline.

Blueprint Genetics
Classification: Likely benign. Last evaluated: 2024-10-22. Review status: criteria provided, single submitter. Criteria: ACMG Guidelines, 2015. Collection method: clinical testing. Allele origin: germline.

Mayo Clinic Laboratories, Mayo Clinic
Classification: Benign. Last evaluated: 2024-02-27. Review status: criteria provided, single submitter. Criteria: ACMG Guidelines, 2015. Collection method: clinical testing. Allele origin: germline. Observed: 2 variant alleles.
Comment: BS1, BS2, BP4, BP7

GeneDx
Classification: Benign. Last evaluated: 2020-06-08. Review status: criteria provided, single submitter. Criteria: GeneDx Variant Classification Process June 2021. Collection method: clinical testing. Allele origin: germline. Affected: yes.
Comment: This variant is associated with the following publications: (PMID: 17397051, 23736532)

Illumina Laboratory Services, Illumina
Classification: Likely benign for Joubert syndrome 6. Last evaluated: 2018-01-12. Review status: criteria provided, single submitter. Criteria: ICSL Variant Classification Criteria 13 December 2019. Collection method: clinical testing. Allele origin: germline.
Comment: This variant was observed in the ICSL laboratory as part of a predisposition screen in an ostensibly healthy population. It had not been previously curated by ICSL or reported in the Human Gene Mutation Database (HGMD: prior to June 1st, 2018), and was therefore a candidate for classification through an automated scoring system. Utilizing variant allele frequency, disease prevalence and penetrance estimates, and inheritance mode, an automated score was calculated to assess if this variant is too frequent to cause the disease. Based on the score and internal cut-off values, a variant classified as likely benign is not then subjected to further curation. The score for this variant resulted in a classification of likely benign for this disease.

Illumina Laboratory Services, Illumina
Classification: Likely benign for Nephronophthisis 11. Last evaluated: 2018-01-12. Review status: criteria provided, single submitter. Criteria: ICSL Variant Classification Criteria 13 December 2019. Collection method: clinical testing. Allele origin: germline.
Comment: the same text as in the submission from Illumina Laboratory Services, Illumina above.

Illumina Laboratory Services, Illumina
Classification: Uncertain significance for Meckel syndrome, type 3. Last evaluated: 2018-01-12. Review status: criteria provided, single submitter. Criteria: ICSL Variant Classification Criteria 13 December 2019. Collection method: clinical testing. Allele origin: germline.

PreventionGenetics, part of Exact Sciences
Classification: Benign. Review status: criteria provided, single submitter. Criteria: ACMG Guidelines, 2015. Collection method: clinical testing. Allele origin: germline.